The following is an entry in ClinVar:

ClinVar aggregate classification (germline): Pathogenic (1 of 4 stars; one submission).

Conditions:
Lesch-Nyhan syndrome (LNS). Also called: Lesch-Nyhan Disease (LND); HPRT DEFICIENCY, COMPLETE. Identifiers: Orphanet 510, MedGen C0023374, MONDO:0010298, OMIM 300322.
Partial hypoxanthine-guanine phosphoribosyltransferase deficiency. Also called: HYPOXANTHINE GUANINE PHOSPHORIBOSYLTRANSFERASE 1 DEFICIENCY, PARTIAL; GOUT, HPRT-RELATED; Kelley-Seegmiller Syndrome; HPRT DEFICIENCY, PARTIAL; HPRT1 DEFICIENCY, PARTIAL. Identifiers: Orphanet 79233, MedGen C0268117, MONDO:0010299, OMIM 300323.

Submission:

Labcorp Genetics (formerly Invitae), Labcorp
Classification: Pathogenic for Lesch-Nyhan syndrome; Partial hypoxanthine-guanine phosphoribosyltransferase deficiency. Last evaluated: 2021-11-03. Review status: criteria provided, single submitter. Criteria: Invitae Variant Classification Sherloc (09022015). Collection method: clinical testing. Allele origin: germline.
Comment: This sequence change creates a premature translational stop signal (p.Gln144*) in the HPRT1 gene. It is expected to result in an absent or disrupted protein product. Loss-of-function variants in HPRT1 are known to be pathogenic (PMID: 15571220, 17027311, 22157001). This variant is not present in population databases (gnomAD no frequency). This premature translational stop signal has been observed in individual(s) with HPRT1-related conditions (PMID: 18600506). For these reasons, this variant has been classified as Pathogenic.

Literature cited by the submitters: PubMed 15571220; PubMed 17027311; PubMed 22157001; PubMed 18600506.

NM_000194.3(HPRT1):c.430C>T (p.Gln144Ter)

Gene: HPRT1 (hypoxanthine phosphoribosyltransferase 1; plus strand). Cytogenetic location: Xq26.2.
Variant type: single nucleotide variant.
Coding change: c.430C>T on transcript NM_000194.3 (MANE Select); coding-DNA position 430, C replaced by T.
Protein change: p.Gln144Ter; replaces glutamine 144 with a stop codon.
Molecular consequence: nonsense.
Genome position (GRCh38, 1-based): chrX:134,493,535, C>T. VCF-style: chrX-134493535-C-T. GRCh37 (hg19) VCF-style: chrX-133627565-C-T.
Other names: short protein forms Q144*.
Identifiers: ClinVar variation 1459930 (VCV001459930.6), dbSNP rs2124302024, ClinGen allele CA414714307.